The following is an entry in ClinVar:

NM_130839.5(UBE3A):c.1608+1G>A

Genes: SNHG14 (small nucleolar RNA host gene 14; plus strand), UBE3A (ubiquitin protein ligase E3A; minus strand). Cytogenetic location: 15q11.2.
Variant type: single nucleotide variant.
Coding change: c.1608+1G>A on transcript NM_130839.5 (MANE Select); the canonical splice donor site of the intron after coding-DNA position 1608, G replaced by A.
Molecular consequence: splice donor variant. On other transcripts: intron variant (2).
Genome position (GRCh38, 1-based): chr15:25,370,565, C>T on the plus strand (G>A on the coding strand, the complement: UBE3A is on the minus strand). VCF-style: chr15-25370565-C-T. GRCh37 (hg19) VCF-style: chr15-25615712-C-T.
Other names: c.1431+1G>A (NM_001354546.2); c.301+4900G>A (NM_001354551.2); c.1548+1G>A (NM_001354549.2, NM_001354548.2, NM_130838.4 and 17 more transcripts); c.361+4900G>A (NM_001354550.2); c.1608+1G>A (NM_001354545.2, NM_001354538.2, NM_001354505.1); c.1617+1G>A (NM_000462.5).
Identifiers: ClinVar variation 449699 (VCV000449699.2), dbSNP rs1555399890, ClinGen allele CA391353201.

ClinVar aggregate classification (germline): Pathogenic (1 of 4 stars; one submission).

Submission:

GeneDx
Classification: Pathogenic. Last evaluated: 2016-03-08. Review status: criteria provided, single submitter. Criteria: GeneDx Variant Classification (06012015). Collection method: clinical testing. Allele origin: germline. Affected: yes.
Comment: The c.1548+1 G>A splice site variant in the UBE3A gene has been previously reported as a maternally inherited variant in two siblings with Angelman syndrome (UBE3A LOVD). This pathogenic variant destroys the canonical splice donor site in intron 3. It is predicted to cause abnormal gene splicing, either leading to an abnormal message that is subject to nonsense-mediated mRNA decay, or to an abnormal protein product if the message is used for protein translation. Therefore, the presence of c.1548+1 G>A is consistent with a diagnosis of Angelman syndrome